The following is an entry in ClinVar:

NM_182925.5(FLT4):c.3179G>C (p.Arg1060Pro)

Gene: FLT4 (fms related receptor tyrosine kinase 4; minus strand). Cytogenetic location: 5q35.3.
Variant type: single nucleotide variant.
Coding change: c.3179G>C on transcript NM_182925.5 (MANE Select); coding-DNA position 3179, G replaced by C.
Protein change: p.Arg1060Pro; replaces arginine 1060 with proline.
Molecular consequence: missense variant.
Genome position (GRCh38, 1-based): chr5:180,616,407, C>G on the plus strand (G>C on the coding strand, the complement: FLT4 is on the minus strand). VCF-style: chr5-180616407-C-G. GRCh37 (hg19) VCF-style: chr5-180043407-C-G.
Other names: c.3179G>C, p.Arg1060Pro (NM_001354989.2, NM_002020.5); short protein forms R1060P.
Identifiers: ClinVar variation 1315232 (VCV001315232.2), dbSNP rs757396801, ClinGen allele CA362500459.

ClinVar aggregate classification (germline): Uncertain significance (1 of 4 stars; one submission).

Submission:

GeneDx
Classification: Uncertain significance. Last evaluated: 2020-01-29. Review status: criteria provided, single submitter. Criteria: GeneDx Variant Classification Process June 2021. Collection method: clinical testing. Allele origin: germline. Affected: yes.
Comment: Not observed in large population cohorts (Lek et al., 2016); In silico analysis, which includes protein predictors and evolutionary conservation, supports a deleterious effect; Has not been previously published as pathogenic or benign to our knowledge